The following is an entry in ClinVar:

NM_002471.4(MYH6):c.719A>G (p.Asp240Gly)

Gene: MYH6 (myosin heavy chain 6; minus strand). Cytogenetic location: 14q11.2.
Variant type: single nucleotide variant.
Coding change: c.719A>G on transcript NM_002471.4 (MANE Select); coding-DNA position 719, A replaced by G.
Protein change: p.Asp240Gly; replaces aspartic acid 240 with glycine.
Molecular consequence: missense variant.
Genome position (GRCh38, 1-based): chr14:23,404,312, T>C on the plus strand (A>G on the coding strand, the complement: MYH6 is on the minus strand). VCF-style: chr14-23404312-T-C. GRCh37 (hg19) VCF-style: chr14-23873521-T-C.
Other names: short protein forms D240G.
Identifiers: ClinVar variation 3639804 (VCV003639804.2).

ClinVar aggregate classification (germline): Uncertain significance (1 of 4 stars; one submission).

Conditions:
Hypertrophic cardiomyopathy 14. Identifiers: MedGen C2750467, MONDO:0013197, OMIM 613251.

Submission:

Labcorp Genetics (formerly Invitae), Labcorp
Classification: Uncertain significance for Hypertrophic cardiomyopathy 14. Last evaluated: 2024-02-09. Review status: criteria provided, single submitter. Criteria: Invitae Variant Classification Sherloc (09022015). Collection method: clinical testing. Allele origin: germline.
Comment: This sequence change replaces aspartic acid, which is acidic and polar, with glycine, which is neutral and non-polar, at codon 240 of the MYH6 protein (p.Asp240Gly). This variant is not present in population databases (gnomAD no frequency). This variant has not been reported in the literature in individuals affected with MYH6-related conditions. Advanced modeling of protein sequence and biophysical properties (such as structural, functional, and spatial information, amino acid conservation, physicochemical variation, residue mobility, and thermodynamic stability) performed at Invitae indicates that this missense variant is expected to disrupt MYH6 protein function with a positive predictive value of 80%. In summary, the available evidence is currently insufficient to determine the role of this variant in disease. Therefore, it has been classified as a Variant of Uncertain Significance.